The following is an entry in ClinVar:

NM_000455.5(STK11):c.290+7A>G

Gene: STK11 (serine/threonine kinase 11; plus strand). Cytogenetic location: 19p13.3.
Variant type: single nucleotide variant.
Coding change: c.290+7A>G on transcript NM_000455.5 (MANE Select); 7 bases into the intron after coding-DNA position 290, A replaced by G.
Molecular consequence: intron variant.
Genome position (GRCh38, 1-based): chr19:1,207,210, A>G. VCF-style: chr19-1207210-A-G. GRCh37 (hg19) VCF-style: chr19-1207209-A-G.
Identifiers: ClinVar variation 142304 (VCV000142304.14), dbSNP rs587782371, ClinGen allele CA022781.

ClinVar aggregate classification (germline): Likely benign. Review status: criteria provided, multiple submitters, no conflicts (2 of 4 stars). 5 submissions from 5 submitters: Likely benign (5). Last evaluated 2025-08-28.

Conditions:
Hereditary cancer-predisposing syndrome. Also called: Neoplastic Syndromes, Hereditary; Hereditary Cancer Syndrome; Hereditary neoplastic syndrome; Tumor predisposition. Identifiers: Orphanet 140162, MedGen C0027672, MeSH D009386, MONDO:0015356.
Peutz-Jeghers syndrome (PJS). Also called: Peutz-Jeghers polyposis; Periorificial lentiginosis syndrome; POLYPOSIS, HAMARTOMATOUS INTESTINAL; POLYPS-AND-SPOTS SYNDROME. Identifiers: Orphanet 2869, MedGen C0031269, MeSH D010580, MONDO:0008280, OMIM 175200.

Allele frequency attached by ClinVar (database versions not stated): gnomAD 0.00001.

Submissions (5):

Labcorp Genetics (formerly Invitae), Labcorp
Classification: Likely benign for Peutz-Jeghers syndrome. Last evaluated: 2025-08-28. Review status: criteria provided, single submitter. Criteria: Invitae Variant Classification Sherloc (09022015). Collection method: clinical testing. Allele origin: germline.

Myriad Genetics, Inc.
Classification: Likely benign for Peutz-Jeghers syndrome. Last evaluated: 2025-03-25. Review status: criteria provided, single submitter. Criteria: Myriad Autosomal Dominant, Autosomal Recessive and X-Linked Classification Criteria (2023). Collection method: clinical testing. Allele origin: unknown.
Comment: This variant is considered likely benign. This variant is intronic and is not expected to impact mRNA splicing.

Color Diagnostics, LLC DBA Color Health
Classification: Likely benign for Hereditary cancer-predisposing syndrome. Last evaluated: 2019-01-03. Review status: criteria provided, single submitter. Criteria: ACMG Guidelines, 2015. Collection method: clinical testing. Allele origin: germline.

GeneDx
Classification: Likely benign. Last evaluated: 2017-01-04. Review status: criteria provided, single submitter. Criteria: GeneDx Variant Classification (06012015). Collection method: clinical testing. Allele origin: germline. Affected: yes.
Comment: This variant is considered likely benign or benign based on one or more of the following criteria: it is a conservative change, it occurs at a poorly conserved position in the protein, it is predicted to be benign by multiple in silico algorithms, and/or has population frequency not consistent with disease.

Ambry Genetics
Classification: Likely benign for Hereditary cancer-predisposing syndrome. Last evaluated: 2014-02-07. Review status: criteria provided, single submitter. Criteria: Ambry Autosomal Dominant and X-Linked criteria (10/2015). Collection method: clinical testing. Allele origin: germline. Observed: 1 variant allele.